The following is an entry in ClinVar:

ClinVar aggregate classification (germline): Uncertain significance (1 of 4 stars; one submission).

Submission:

CeGaT Center for Human Genetics Tuebingen
Classification: Uncertain significance. Last evaluated: 2026-06-01. Review status: criteria provided, single submitter. Criteria: CeGaT Center For Human Genetics Tuebingen Variant Classification Criteria Version 2. Collection method: clinical testing. Allele origin: germline. Affected: yes. Observed: 1 variant allele.
Comment: STT3A: PM2, PP2

NM_152713.5(STT3A):c.320A>T (p.His107Leu)

Gene: STT3A (STT3 oligosaccharyltransferase complex catalytic subunit A; plus strand). Cytogenetic location: 11q24.2.
Variant type: single nucleotide variant.
Coding change: c.320A>T on transcript NM_152713.5 (MANE Select); coding-DNA position 320, A replaced by T.
Protein change: p.His107Leu; replaces histidine 107 with leucine.
Molecular consequence: missense variant.
Genome position (GRCh38, 1-based): chr11:125,602,851, A>T. VCF-style: chr11-125602851-A-T. GRCh37 (hg19) VCF-style: chr11-125472746-A-T.
Other names: c.320A>T, p.His107Leu (NM_001278503.2); c.44A>T, p.His15Leu (NM_001278504.2); short protein forms H107L, H15L.
Identifiers: ClinVar variation 4875330 (VCV004875330.2).